The following is an entry in ClinVar:

ClinVar aggregate classification (germline): Benign. Review status: criteria provided, multiple submitters, no conflicts (2 of 4 stars). 3 submissions from 3 submitters: Benign (2). 1 of the submissions does not count toward it. Last evaluated 2025-08-07.

Conditions:
MTFMT-related disorder. Also called: MTFMT-related condition.

Allele frequency attached by ClinVar (database versions not stated): TOPMed 0.00005; gnomAD 0.00030; gnomAD exomes 0.00088; ExAC 0.00106; 1000 Genomes Project 30x 0.00187; 1000 Genomes Project 0.00200.
gnomAD v4.1: 784 of 1,613,714 alleles (0.049%); highest among the groups gnomAD compares: South Asian, 0.83%; 7 homozygotes.

Submissions (3):

Labcorp Genetics (formerly Invitae), Labcorp
Classification: Benign. Last evaluated: 2025-08-07. Review status: criteria provided, single submitter. Criteria: Invitae Variant Classification Sherloc (09022015). Collection method: clinical testing. Allele origin: germline.

GeneDx
Classification: Benign. Last evaluated: 2020-09-18. Review status: criteria provided, single submitter. Criteria: GeneDx Variant Classification Process June 2021. Collection method: clinical testing. Allele origin: germline. Affected: yes.

PreventionGenetics, part of Exact Sciences
Classification: Benign for MTFMT-related condition. Last evaluated: 2020-04-01. Review status: no assertion criteria provided. Collection method: clinical testing. Allele origin: germline. Not counted in ClinVar's aggregate classification.
Comment: This variant is classified as benign based on ACMG/AMP sequence variant interpretation guidelines (Richards et al. 2015 PMID: 25741868, with internal and published modifications).

NM_139242.4(MTFMT):c.476T>C (p.Val159Ala)

Gene: MTFMT (mitochondrial methionyl-tRNA formyltransferase; minus strand). Cytogenetic location: 15q22.31.
Variant type: single nucleotide variant.
Coding change: c.476T>C on transcript NM_139242.4 (MANE Select); coding-DNA position 476, T replaced by C.
Protein change: p.Val159Ala; replaces valine 159 with alanine.
Molecular consequence: missense variant.
Genome position (GRCh38, 1-based): chr15:65,023,738, A>G on the plus strand (T>C on the coding strand, the complement: MTFMT is on the minus strand). VCF-style: chr15-65023738-A-G. GRCh37 (hg19) VCF-style: chr15-65316076-A-G.
Other names: short protein forms V159A.
Identifiers: ClinVar variation 1291353 (VCV001291353.8), dbSNP rs571610853, ClinGen allele CA7613347.